The following is an entry in ClinVar:

ClinVar aggregate classification (germline): Conflicting classifications of pathogenicity. Review status: criteria provided, conflicting classifications (1 of 4 stars). 3 submissions from 3 submitters: Uncertain significance (2); Likely benign (1). Last evaluated 2026-05-05.

Conditions:
Tietz syndrome (TADS). Also called: HYPOPIGMENTATION/DEAFNESS OF TIETZ; TIETZ ALBINISM-DEAFNESS SYNDROME; ALBINISM-DEAFNESS OF TIETZ. Identifiers: Orphanet 42665, MedGen C0391816, MONDO:0007077, OMIM 103500.
Melanoma, cutaneous malignant, susceptibility to, 8. Also called: MELANOMA AND RENAL CELL CARCINOMA, SUSCEPTIBILITY TO; Cutaneous malignant melanoma 8. Identifiers: Orphanet 293822, MedGen C3152204, MONDO:0013759, OMIM 614456.
Waardenburg syndrome type 2A (WS2A). Also called: WAARDENBURG SYNDROME WITHOUT DYSTOPIA CANTHORUM. Identifiers: Orphanet 3440, MedGen C1860339, MONDO:0008671, OMIM 193510.
Hereditary cancer-predisposing syndrome. Also called: Neoplastic Syndromes, Hereditary; Tumor predisposition; Hereditary neoplastic syndrome; Hereditary Cancer Syndrome. Identifiers: Orphanet 140162, MedGen C0027672, MeSH D009386, MONDO:0015356.

Allele frequency attached by ClinVar (database versions not stated): gnomAD exomes below 0.00001.
gnomAD v4.1: 1 of 1,613,530 alleles (0.000062%); highest among the groups gnomAD compares: South Asian, 0.0011%; no homozygotes.

Submissions (3):

Centre for Medical Genetics,  Mumbai
Classification: Likely benign for Waardenburg syndrome type 2A. Last evaluated: 2026-05-05. Review status: criteria provided, single submitter. Criteria: ACMG Guidelines, 2015. Collection method: provider interpretation. Allele origin: germline. Inheritance: Autosomal dominant inheritance. Affected: no. Observed: 1 variant allele, 1 heterozygote.
Comment: The variant satisfies PM2 criteria - extremely low frequency in gnomAD population databases. However, the variant satisfies BS2 criteria - present in heterozygous state in an individual that clinically does not have Waardenburg syndrome.

Labcorp Genetics (formerly Invitae), Labcorp
Classification: Uncertain significance for Melanoma, cutaneous malignant, susceptibility to, 8; Waardenburg syndrome type 2A; Tietz syndrome. Last evaluated: 2024-12-08. Review status: criteria provided, single submitter. Criteria: Invitae Variant Classification Sherloc (09022015). Collection method: clinical testing. Allele origin: germline.
Comment: This sequence change replaces glycine, which is neutral and non-polar, with arginine, which is basic and polar, at codon 159 of the MITF protein (p.Gly159Arg). This variant is not present in population databases (gnomAD no frequency). This variant has not been reported in the literature in individuals affected with MITF-related conditions. ClinVar contains an entry for this variant (Variation ID: 2545472). Invitae Evidence Modeling of protein sequence and biophysical properties (such as structural, functional, and spatial information, amino acid conservation, physicochemical variation, residue mobility, and thermodynamic stability) indicates that this missense variant is not expected to disrupt MITF protein function with a negative predictive value of 80%. In summary, the available evidence is currently insufficient to determine the role of this variant in disease. Therefore, it has been classified as a Variant of Uncertain Significance.

Ambry Genetics
Classification: Uncertain significance for Hereditary cancer-predisposing syndrome. Last evaluated: 2023-05-09. Review status: criteria provided, single submitter. Criteria: Ambry Variant Classification Scheme 2023. Collection method: clinical testing. Allele origin: germline.

Literature cited by the submitters: PubMed 7874167 (cited by Centre for Medical Genetics,  Mumbai).

NM_001354604.2(MITF):c.796G>A (p.Gly266Arg)

Gene: MITF (melanocyte inducing transcription factor; plus strand). Cytogenetic location: 3p13.
Variant type: single nucleotide variant.
Coding change: c.796G>A on transcript NM_001354604.2 (MANE Select); coding-DNA position 796, G replaced by A.
Protein change: p.Gly266Arg; replaces glycine 266 with arginine.
Molecular consequence: missense variant.
Genome position (GRCh38, 1-based): chr3:69,949,084, G>A. VCF-style: chr3-69949084-G-A. GRCh37 (hg19) VCF-style: chr3-69998235-G-A.
Other names: c.475G>A, p.Gly159Arg (NM_000248.4, NM_198158.3); c.640G>A, p.Gly214Arg (NM_001184967.2, NM_001354608.2); c.793G>A, p.Gly265Arg (NM_001354605.2, NM_001354606.2, NM_006722.3); c.745G>A, p.Gly249Arg (NM_001354607.2); c.796G>A, p.Gly266Arg (NM_198159.3); c.748G>A, p.Gly250Arg (NM_198177.3); c.307G>A, p.Gly103Arg (NM_198178.3); short protein forms G103R, G214R, G249R, G250R, G159R, G265R, G266R.
Identifiers: ClinVar variation 2545472 (VCV002545472.6), dbSNP rs2471620937, ClinGen allele CA353561311.